The following is an entry in ClinVar:

NM_001943.5(DSG2):c.912T>C (p.Asp304=)

Gene: DSG2 (desmoglein 2; plus strand). Cytogenetic location: 18q12.1.
Variant type: single nucleotide variant.
Coding change: c.912T>C on transcript NM_001943.5 (MANE Select); coding-DNA position 912, T replaced by C.
Protein change: p.Asp304=; no amino-acid change (aspartic acid 304 retained).
Molecular consequence: synonymous variant.
Genome position (GRCh38, 1-based): chr18:31,524,786, T>C. VCF-style: chr18-31524786-T-C. GRCh37 (hg19) VCF-style: chr18-29104749-T-C.
Identifiers: ClinVar variation 2775217 (VCV002775217.4), dbSNP rs2510912912, ClinGen allele CA503599281.

ClinVar aggregate classification (germline): Likely benign. Review status: criteria provided, multiple submitters, no conflicts (2 of 4 stars). 3 submissions from 3 submitters: Likely benign (3). Last evaluated 2026-01-19.

Conditions:
Arrhythmogenic right ventricular dysplasia 10. Also called: ARRHYTHMOGENIC RIGHT VENTRICULAR DYSPLASIA, FAMILIAL, 10; Arrhythmogenic Right Ventricular Dysplasia/Cardiomyopathy10; Arrhythmogenic right ventricular dysplasia/cardiomyopathy, type 10. Identifiers: MedGen C1857777, MONDO:0012434, OMIM 610193.
Cardiomyopathy (CMYO). Also called: Cardiomyopathies. Identifiers: Orphanet 167848, MedGen C0878544, MONDO:0004994, HP:0001638. Inheritance: Various modes of inheritance.
Arrhythmogenic right ventricular cardiomyopathy (ARVD). Also called: Arrhythmogenic right ventricular dysplasia; Cardiomyopathy, ARVC; Arrhythmogenic cardiomyopathy; Arrhythmogenic Right Ventricular Cardiomyopathy (ARVC). Identifiers: Orphanet 247, MedGen C0349788, MeSH D019571, MONDO:0016587. Disease mechanism: loss of function. Inheritance: Various modes of inheritance.

Submissions (3):

Labcorp Genetics (formerly Invitae), Labcorp
Classification: Likely benign for Arrhythmogenic right ventricular dysplasia 10. Last evaluated: 2026-01-19. Review status: criteria provided, single submitter. Criteria: Invitae Variant Classification Sherloc (09022015). Collection method: clinical testing. Allele origin: germline.

All of Us Research Program, National Institutes of Health
Classification: Likely benign for Arrhythmogenic right ventricular cardiomyopathy. Last evaluated: 2023-11-20. Review status: criteria provided, single submitter. Criteria: ACMG Guidelines, 2015. Collection method: clinical testing. Allele origin: germline. Inheritance: Autosomal dominant inheritance. Observed: 2 variant alleles, 2 heterozygotes.
Comment: This study involves interpretation of variants in research participants for the purpose of population health screening. Participant phenotype was not available at the time of variant classification. Additional details can be found in publication PMID: 35346344, PMCID: PMC8962531

Color Diagnostics, LLC DBA Color Health
Classification: Likely benign for Cardiomyopathy. Last evaluated: 2022-03-09. Review status: criteria provided, single submitter. Criteria: ACMG Guidelines, 2015. Collection method: clinical testing. Allele origin: germline.